The following is an entry in ClinVar:

NM_006766.5(KAT6A):c.1108C>G (p.Leu370Val)

Gene: KAT6A (lysine acetyltransferase 6A; minus strand). Cytogenetic location: 8p11.21.
Variant type: single nucleotide variant.
Coding change: c.1108C>G on transcript NM_006766.5 (MANE Select); coding-DNA position 1108, C replaced by G.
Protein change: p.Leu370Val; replaces leucine 370 with valine.
Molecular consequence: missense variant.
Genome position (GRCh38, 1-based): chr8:41,977,263, G>C on the plus strand (C>G on the coding strand, the complement: KAT6A is on the minus strand). VCF-style: chr8-41977263-G-C. GRCh37 (hg19) VCF-style: chr8-41834781-G-C.
Other names: c.1108C>G, p.Leu370Val (NM_001305878.2); short protein forms L370V.
Identifiers: ClinVar variation 2083303 (VCV002083303.5), dbSNP rs760965283, ClinGen allele CA4730242.

ClinVar aggregate classification (germline): Conflicting classifications of pathogenicity. Review status: criteria provided, conflicting classifications (1 of 4 stars). 2 submissions from 2 submitters: Uncertain significance (1); Likely benign (1). Last evaluated 2025-07-24.

Allele frequency attached by ClinVar (database versions not stated): TOPMed below 0.00001; ExAC 0.00001; gnomAD 0.00002; gnomAD exomes 0.00002.
gnomAD v4.1: 35 of 1,614,076 alleles (0.0022%); highest among the groups gnomAD compares: Non-Finnish European, 0.003%; no homozygotes.

Submissions (2):

Women's Health and Genetics/Laboratory Corporation of America, LabCorp
Classification: Uncertain significance. Last evaluated: 2025-07-24. Review status: criteria provided, single submitter. Criteria: LabCorp Variant Classification Summary - May 2015. Collection method: clinical testing. Allele origin: germline.
Comment: Variant summary: KAT6A c.1108C>G (p.Leu370Val) results in a conservative amino acid change in the encoded protein sequence. Algorithms developed to predict the effect of missense changes on protein structure and function all suggest that this variant is likely to be tolerated. The variant allele was found at a frequency of 4e-06 in 251160 control chromosomes. The available data on variant occurrences in the general population are insufficient to allow any conclusion about variant significance. To our knowledge, no occurrence of c.1108C>G in individuals affected with Arboleda-Tham Syndrome and no experimental evidence demonstrating its impact on protein function have been reported. ClinVar contains an entry for this variant (Variation ID: 2083303). Based on the evidence outlined above, the variant was classified as uncertain significance.

Labcorp Genetics (formerly Invitae), Labcorp
Classification: Likely benign. Last evaluated: 2025-04-28. Review status: criteria provided, single submitter. Criteria: Invitae Variant Classification Sherloc (09022015). Collection method: clinical testing. Allele origin: germline.